The following is an entry in ClinVar:

ClinVar aggregate classification (germline): Uncertain significance (1 of 4 stars; one submission).

gnomAD v4.1: 4 of 1,614,094 alleles (0.00025%); highest among the groups gnomAD compares: Non-Finnish European, 0.00034%; no homozygotes.

Submission:

Dasa
Classification: Uncertain significance. Last evaluated: 2025-08-15. Review status: criteria provided, single submitter. Criteria: DASA Assertion Criteria. Collection method: clinical testing. Allele origin: germline.
Comment: NM_014516.4(CNOT3):c.1713C>G (p.Ile571Met) is a missense variant that results in the substitution of isoleucine with methionine. This variant is rare in population databases. Computational prediction algorithms are consistent with a benign effect. The currently available literature and clinical evidence are not sufficient to establish a definitive association between this variant and the reported condition. Therefore, this variant is classified as a variant of uncertain significance.

NM_014516.4(CNOT3):c.1713C>G (p.Ile571Met)

Gene: CNOT3 (CCR4-NOT transcription complex subunit 3; plus strand). Cytogenetic location: 19q13.42.
Variant type: single nucleotide variant.
Coding change: c.1713C>G on transcript NM_014516.4 (MANE Select); coding-DNA position 1713, C replaced by G.
Protein change: p.Ile571Met; replaces isoleucine 571 with methionine.
Molecular consequence: missense variant. On other transcripts: non-coding transcript variant (2).
Genome position (GRCh38, 1-based): chr19:54,152,435, C>G. VCF-style: chr19-54152435-C-G. GRCh37 (hg19) VCF-style: chr19-54656172-C-G.
Other names: c.1716C>G, p.Ile572Met (NM_001440653.1, NM_001440655.1, NM_001440657.1 and 3 more transcripts); c.1713C>G, p.Ile571Met (NM_001440654.1, NM_001440656.1, NM_001440658.1 and 1 more transcripts); c.1170C>G, p.Ile390Met (NM_001440659.1, NM_001440660.1); short protein forms I390M, I571M, I572M.
Identifiers: ClinVar variation 5020889 (VCV005020889.1).